The following is an entry in ClinVar:

NM_000038.6(APC):c.3757del (p.Ser1253fs)

Gene: APC (APC regulator of Wnt signaling pathway; plus strand). Cytogenetic location: 5q22.2.
Variant type: Deletion.
Coding change: c.3757del on transcript NM_000038.6 (MANE Select); coding-DNA position 3757, one base deleted (T; older notation c.3757delT).
Protein change: p.Ser1253fs; shifts the reading frame from serine 1253.
Molecular consequence: frameshift variant.
Genome position (GRCh38, 1-based): chr5:112,839,351, T deleted; the last of 2 consecutive T bases (chr5:112,839,350-112,839,351); deleting either gives the same sequence. VCF-style (leftmost placement, unchanged base first): chr5-112839349-CT-C. GRCh37 (hg19) VCF-style: chr5-112175046-CT-C.
Other names: c.3757del, p.Ser1253fs (NM_001127510.3, NM_001354895.2); c.3703del, p.Ser1235fs (NM_001127511.3); c.3811del, p.Ser1271fs (NM_001354896.2); c.3787del, p.Ser1263fs (NM_001354897.2); c.3682del, p.Ser1228fs (NM_001354898.2); c.3673del, p.Ser1225fs (NM_001354899.2); c.3634del, p.Ser1212fs (NM_001354900.2); c.3580del, p.Ser1194fs (NM_001354901.2); and 5 more; short protein forms S1235fs, S1253fs, S1263fs, S1271fs, S1093fs, S1127fs, S1162fs, S1152fs.
Identifiers: ClinVar variation 428127 (VCV000428127.8), dbSNP rs1114167571, ClinGen allele CA645369368.

ClinVar aggregate classification (germline): Pathogenic. Review status: criteria provided, multiple submitters, no conflicts (2 of 4 stars). 3 submissions from 3 submitters: Pathogenic (3). Last evaluated 2023-05-15.

Conditions:
Hereditary cancer-predisposing syndrome. Also called: Hereditary Cancer Syndrome; Neoplastic Syndromes, Hereditary; Hereditary neoplastic syndrome; Tumor predisposition. Identifiers: Orphanet 140162, MedGen C0027672, MeSH D009386, MONDO:0015356.
Familial multiple polyposis syndrome (FAP). Also called: Classic familial adenomatous polyposis; Familial adenomatous polyposis; Familial intestinal polyposis; Familial Adenomatous Polyposis (FAP); Familial polyposis. Identifiers: Orphanet 733, MedGen C0032580, MONDO:0021055. Disease mechanism: loss of function.
Familial adenomatous polyposis 1 (FAP1). Also called: FAMILIAL ADENOMATOUS POLYPOSIS 1, ATTENUATED; POLYPOSIS, ADENOMATOUS INTESTINAL. Identifiers: MedGen C2713442, MONDO:0021056, OMIM 175100. Disease mechanism: loss of function.

Submissions (3):

Women's Health and Genetics/Laboratory Corporation of America, LabCorp
Classification: Pathogenic for Familial multiple polyposis syndrome. Last evaluated: 2023-05-15. Review status: criteria provided, single submitter. Criteria: LabCorp Variant Classification Summary - May 2015. Collection method: clinical testing. Allele origin: germline.
Comment: Variant summary: APC c.3757delT (p.Ser1253LeufsX12) results in a premature termination codon and is predicted to cause a truncation of the encoded protein, which is a commonly known mechanism for disease. Although the variant is not predicted to cause absence of the protein through nonsense mediated decay, the variant disrupts the last 1602 amino acids in the protein sequence. Variants downstream of this position have been classified as pathogenic by our laboratory. The variant was absent in 249822 control chromosomes (gnomAD). To our knowledge, no occurrence of c.3757delT in individuals affected with Familial Adenomatous Polyposis and no experimental evidence demonstrating its impact on protein function have been reported. One ClinVar submitter has assessed the variant since 2014: the variant was classified as pathogenic. Based on the evidence outlined above, the variant was classified as pathogenic.

Myriad Genetics, Inc.
Classification: Pathogenic for Familial adenomatous polyposis 1. Last evaluated: 2023-05-09. Review status: criteria provided, single submitter. Criteria: Myriad Autosomal Dominant, Autosomal Recessive and X-Linked Classification Criteria (2023). Collection method: clinical testing. Allele origin: unknown.
Comment: This variant is considered pathogenic. This variant creates a frameshift predicted to result in premature protein truncation.

Ambry Genetics
Classification: Pathogenic for Hereditary cancer-predisposing syndrome. Last evaluated: 2016-07-13. Review status: criteria provided, single submitter. Criteria: Ambry Variant Classification Scheme 2023. Collection method: clinical testing. Allele origin: germline.
Comment: The c.3757delT pathogenic mutation, located in coding exon 15 of the APC gene, results from a deletion of one nucleotide at nucleotide position 3757, causing a translational frameshift with a predicted alternate stop codon (p.S1253Lfs*12). This alteration is expected to result in loss of function by premature protein truncation or nonsense-mediated mRNA decay. As such, this alteration is interpreted as a disease-causing mutation.